The following is an entry in ClinVar:

NM_001161352.2(KCNMA1):c.2981C>T (p.Thr994Ile)

Genes: KCNMA1 (potassium calcium-activated channel subfamily M alpha 1; minus strand), KCNMA1-AS1 (KCNMA1 antisense RNA 1; plus strand). Cytogenetic location: 10q22.3.
Variant type: single nucleotide variant.
Coding change: c.2981C>T on transcript NM_001161352.2 (MANE Select); coding-DNA position 2981, C replaced by T.
Protein change: p.Thr994Ile; replaces threonine 994 with isoleucine.
Molecular consequence: missense variant.
Genome position (GRCh38, 1-based): chr10:76,914,971, G>A on the plus strand (C>T on the coding strand, the complement: KCNMA1 is on the minus strand). VCF-style: chr10-76914971-G-A. GRCh37 (hg19) VCF-style: chr10-78674729-G-A.
Other names: c.2819C>T, p.Thr940Ile (NM_001014797.3, NM_001322835.2, NM_001322837.2); c.2930C>T, p.Thr977Ile (NM_001161353.2); c.2657C>T, p.Thr886Ile (NM_001271518.2); c.2816C>T, p.Thr939Ile (NM_001271519.2, NM_001322829.2, NM_001322836.2); c.2828C>T, p.Thr943Ile (NM_001322830.2); c.2807C>T, p.Thr936Ile (NM_001322832.2, NM_002247.4); c.2354C>T, p.Thr785Ile (NM_001322838.2); short protein forms T943I, T977I, T940I, T994I, T785I, T886I, T936I, T939I.
Identifiers: ClinVar variation 806523 (VCV000806523.54), dbSNP rs768061213, ClinGen allele CA5567948.

ClinVar aggregate classification (germline): Uncertain significance. Review status: criteria provided, multiple submitters, no conflicts (2 of 4 stars). 7 submissions from 7 submitters: Uncertain significance (7). Last evaluated 2026-05-18.

Conditions:
Inborn genetic diseases. Identifiers: MedGen C0950123, MeSH D030342.
KCNMA1-related disorder. Also called: KCNMA1-related disorders; KCNMA1-related condition.
Generalized epilepsy-paroxysmal dyskinesia syndrome (PNKD3). Also called: Paroxysmal nonkinesigenic dyskinesia, 3, with or without generalized epilepsy; Generalized epilepsy and paroxysmal dyskinesia. Identifiers: Orphanet 79137, MedGen C5574945, MONDO:0012276, OMIM 609446.

Allele frequency attached by ClinVar (database versions not stated): ExAC 0.00002; gnomAD exomes 0.00002 and 0.00001; TOPMed below 0.00001; gnomAD 0.00001.
gnomAD v4.1: 17 of 1,613,484 alleles (0.0011%); highest among the groups gnomAD compares: Middle Eastern, 0.033%; no homozygotes.

Submissions (7):

PreventionGenetics, part of Exact Sciences
Classification: Uncertain significance for KCNMA1-related condition. Last evaluated: 2026-05-18. Review status: criteria provided, single submitter. Criteria: ACMG Guidelines, 2015. Collection method: clinical testing. Allele origin: germline.
Comment: The KCNMA1 c.2807C>T variant is predicted to result in the amino acid substitution p.Thr936Ile. To our knowledge, this variant has not been reported in the literature. This variant is reported in 0.0033% of alleles in individuals of South Asian descent in gnomAD. At this time, the clinical significance of this variant is uncertain due to the absence of conclusive functional and genetic evidence.

Ambry Genetics
Classification: Uncertain significance for Inborn genetic diseases. Last evaluated: 2025-11-02. Review status: criteria provided, single submitter. Criteria: Ambry Variant Classification Scheme 2023. Collection method: clinical testing. Allele origin: germline.

Labcorp Genetics (formerly Invitae), Labcorp
Classification: Uncertain significance for Generalized epilepsy-paroxysmal dyskinesia syndrome. Last evaluated: 2025-09-03. Review status: criteria provided, single submitter. Criteria: Invitae Variant Classification Sherloc (09022015). Collection method: clinical testing. Allele origin: germline.
Comment: This sequence change replaces threonine, which is neutral and polar, with isoleucine, which is neutral and non-polar, at codon 936 of the KCNMA1 protein (p.Thr936Ile). This variant is present in population databases (rs768061213, gnomAD 0.003%). This variant has not been reported in the literature in individuals affected with KCNMA1-related conditions. ClinVar contains an entry for this variant (Variation ID: 806523). An algorithm developed to predict the effect of missense changes on protein structure and function (PolyPhen-2) suggests that this variant is likely to be disruptive. In summary, the available evidence is currently insufficient to determine the role of this variant in disease. Therefore, it has been classified as a Variant of Uncertain Significance.

Athena Diagnostics
Classification: Uncertain significance. Last evaluated: 2025-03-03. Review status: criteria provided, single submitter. Criteria: Athena Diagnostics Criteria. Collection method: clinical testing. Allele origin: unknown.
Comment: Available data are insufficient to determine the clinical significance of the variant at this time. The frequency of this variant in the general population is uninformative in assessment of its pathogenicity. Polyphen and MutationTaster yielded discordant predictions regarding whether this amino acid change is damaging to the protein.

Centre of Medical Genetics, University Hospital Muenster
Classification: Uncertain significance. Last evaluated: 2022-12-01. Review status: criteria provided, single submitter. Criteria: ACMG Guidelines, 2015. Collection method: clinical testing. Allele origin: unknown. Affected: yes. Observed: 1 variant allele, 1 heterozygote.
Comment: ACMG categories: PM2

CeGaT Center for Human Genetics Tuebingen
Classification: Uncertain significance. Last evaluated: 2019-07-01. Review status: criteria provided, single submitter. Criteria: CeGaT Center For Human Genetics Tuebingen Variant Classification Criteria Version 2. Collection method: clinical testing. Allele origin: germline. Affected: yes. Observed: 1 variant allele.

Illumina Laboratory Services, Illumina
Classification: Uncertain significance for Generalized epilepsy-paroxysmal dyskinesia syndrome. Last evaluated: 2018-01-13. Review status: criteria provided, single submitter. Criteria: ICSL Variant Classification Criteria 13 December 2019. Collection method: clinical testing. Allele origin: germline.